The following is an entry in ClinVar:

NM_001999.4(FBN2):c.4829T>C (p.Leu1610Pro)

Gene: FBN2 (fibrillin 2; minus strand). Cytogenetic location: 5q23.3.
Variant type: single nucleotide variant.
Coding change: c.4829T>C on transcript NM_001999.4 (MANE Select); coding-DNA position 4829, T replaced by C.
Protein change: p.Leu1610Pro; replaces leucine 1610 with proline.
Molecular consequence: missense variant.
Genome position (GRCh38, 1-based): chr5:128,312,684, A>G on the plus strand (T>C on the coding strand, the complement: FBN2 is on the minus strand). VCF-style: chr5-128312684-A-G. GRCh37 (hg19) VCF-style: chr5-127648376-A-G.
Other names: short protein forms L1610P.
Identifiers: ClinVar variation 263684 (VCV000263684.8), dbSNP rs886038891, ClinGen allele CA10587604.

ClinVar aggregate classification (germline): Uncertain significance. Review status: criteria provided, multiple submitters, no conflicts (2 of 4 stars). 2 submissions from 2 submitters: Uncertain significance (2). Last evaluated 2022-09-15.

Conditions:
Cardiovascular phenotype. Identifiers: MedGen CN230736.
Congenital contractural arachnodactyly (CCA). Also called: BEALS SYNDROME; Beals-Hecht syndrome; Arthrogryposis, distal, type 9. Identifiers: Orphanet 115, MedGen C0220668, MONDO:0007363, OMIM 121050.

Submissions (2):

Labcorp Genetics (formerly Invitae), Labcorp
Classification: Uncertain significance for Congenital contractural arachnodactyly. Last evaluated: 2022-09-15. Review status: criteria provided, single submitter. Criteria: Invitae Variant Classification Sherloc (09022015). Collection method: clinical testing. Allele origin: germline.
Comment: Algorithms developed to predict the effect of missense changes on protein structure and function (SIFT, PolyPhen-2, Align-GVGD) all suggest that this variant is likely to be disruptive. In summary, the available evidence is currently insufficient to determine the role of this variant in disease. Therefore, it has been classified as a Variant of Uncertain Significance. This sequence change replaces leucine, which is neutral and non-polar, with proline, which is neutral and non-polar, at codon 1610 of the FBN2 protein (p.Leu1610Pro). This variant is not present in population databases (gnomAD no frequency). ClinVar contains an entry for this variant (Variation ID: 263684). This variant has not been reported in the literature in individuals affected with FBN2-related conditions.

Ambry Genetics
Classification: Uncertain significance for Cardiovascular phenotype. Last evaluated: 2013-06-14. Review status: criteria provided, single submitter. Criteria: Ambry Autosomal Dominant and X-Linked criteria (10/2015). Collection method: clinical testing. Allele origin: germline. Observed: 1 variant allele.
Comment: There is insufficient or conflicting evidence for classification of this alteration.